The following is an entry in ClinVar:

NM_003072.5(SMARCA4):c.4380G>C (p.Lys1460Asn)

Gene: SMARCA4 (SWI/SNF related BAF chromatin remodeling complex subunit ATPase 4; plus strand). Cytogenetic location: 19p13.2.
Variant type: single nucleotide variant.
Coding change: c.4380G>C on transcript NM_003072.5 (MANE Select); coding-DNA position 4380, G replaced by C.
Protein change: p.Lys1460Asn; replaces lysine 1460 with asparagine.
Molecular consequence: missense variant. On other transcripts: non-coding transcript variant (1).
Genome position (GRCh38, 1-based): chr19:11,041,516, G>C. VCF-style: chr19-11041516-G-C. GRCh37 (hg19) VCF-style: chr19-11152192-G-C.
Other names: c.4380G>C, p.Lys1460Asn (NM_001128844.3); c.4290G>C, p.Lys1430Asn (NM_001128845.2, NM_001128846.2); c.4281G>C, p.Lys1427Asn (NM_001128847.4, NM_001128848.2, NM_001374457.1); c.4476G>C, p.Lys1492Asn (NM_001128849.3, NM_001387283.1); short protein forms K1460N, K1427N, K1430N, K1492N.
Identifiers: ClinVar variation 1508161 (VCV001508161.8), dbSNP rs2146822019, ClinGen allele CA404074062.

ClinVar aggregate classification (germline): Uncertain significance (1 of 4 stars; one submission).

Conditions:
Rhabdoid tumor predisposition syndrome 2 (RTPS2). Identifiers: Orphanet 231108, Orphanet 69077, MedGen C2750074, MONDO:0013224, OMIM 613325.

Submission:

Labcorp Genetics (formerly Invitae), Labcorp
Classification: Uncertain significance for Rhabdoid tumor predisposition syndrome 2. Last evaluated: 2021-02-07. Review status: criteria provided, single submitter. Criteria: Invitae Variant Classification Sherloc (09022015). Collection method: clinical testing. Allele origin: germline.
Comment: This sequence change replaces lysine with asparagine at codon 1492 of the SMARCA4 protein (p.Lys1492Asn). The lysine residue is highly conserved and there is a moderate physicochemical difference between lysine and asparagine. This variant is not present in population databases (ExAC no frequency). This variant has not been reported in the literature in individuals with SMARCA4-related conditions. Algorithms developed to predict the effect of missense changes on protein structure and function are either unavailable or do not agree on the potential impact of this missense change (SIFT: "Deleterious"; PolyPhen-2: "Benign"; Align-GVGD: "Class C65"). In summary, the available evidence is currently insufficient to determine the role of this variant in disease. Therefore, it has been classified as a Variant of Uncertain Significance.